The following is an entry in ClinVar:

NM_002972.4(SBF1):c.5266C>T (p.Gln1756Ter)

Gene: SBF1 (SET binding factor 1; minus strand). Cytogenetic location: 22q13.33.
Variant type: single nucleotide variant.
Coding change: c.5266C>T on transcript NM_002972.4 (MANE Select); coding-DNA position 5266, C replaced by T.
Protein change: p.Gln1756Ter; replaces glutamine 1756 with a stop codon.
Molecular consequence: nonsense.
Genome position (GRCh38, 1-based): chr22:50,448,330, G>A on the plus strand (C>T on the coding strand, the complement: SBF1 is on the minus strand). VCF-style: chr22-50448330-G-A. GRCh37 (hg19) VCF-style: chr22-50886759-G-A.
Other names: c.5191C>T, p.Gln1731Ter (NM_001365819.1); c.5269C>T, p.Gln1757Ter (NM_001410794.1); c.5188C>T, p.Gln1730Ter (NM_001410795.1); short protein forms Q1730*, Q1756*, Q1757*, Q1731*.
Identifiers: ClinVar variation 3644969 (VCV003644969.2).
Genomic context (GRCh38, chr22:50,448,330, plus strand): 5'-GGGTGCTGGTGCTGCGGCGGGCAGCCTGACGGGAGCCGGATGTGGTTGAGCCACTACTCT[G>A]GTCGCTGTCCAGGCTGAGGCTCAGGGTGGAGCCCACGGGCCCCTCCTGCAGGTACACACC-3'

ClinVar aggregate classification (germline): Pathogenic (1 of 4 stars; one submission).

Submission:

Labcorp Genetics (formerly Invitae), Labcorp
Classification: Pathogenic. Last evaluated: 2024-05-21. Review status: criteria provided, single submitter. Criteria: Invitae Variant Classification Sherloc (09022015). Collection method: clinical testing. Allele origin: germline.
Comment: This sequence change creates a premature translational stop signal (p.Gln1756*) in the SBF1 gene. It is expected to result in an absent or disrupted protein product. Loss-of-function variants in SBF1 are known to be pathogenic (PMID: 28005197, 28902413). This variant is not present in population databases (gnomAD no frequency). This variant has not been reported in the literature in individuals affected with SBF1-related conditions. For these reasons, this variant has been classified as Pathogenic.

Literature cited by the submitters: PubMed 28005197; PubMed 28902413.